The following is an entry in ClinVar:

NM_001165963.4(SCN1A):c.384-1C>G

Gene: SCN1A (sodium voltage-gated channel alpha subunit 1; minus strand). Cytogenetic location: 2q24.3.
Variant type: single nucleotide variant.
Coding change: c.384-1C>G on transcript NM_001165963.4 (MANE Select); the canonical splice acceptor site of the intron before coding-DNA position 384, C replaced by G.
Molecular consequence: splice acceptor variant.
Genome position (GRCh38, 1-based): chr2:166,056,501, G>C on the plus strand (C>G on the coding strand, the complement: SCN1A is on the minus strand). VCF-style: chr2-166056501-G-C. GRCh37 (hg19) VCF-style: chr2-166913011-G-C.
Other names: c.384-1C>G (NM_001353949.2, NM_001353958.2, NM_001353950.2 and 10 more transcripts); c.-2042-1C>G (NM_001353961.2).
Identifiers: ClinVar variation 189927 (VCV000189927.1), dbSNP rs794726764, ClinGen allele CA303331.
Genomic context (GRCh38, chr2:166,056,501, plus strand): 5'-CTCATTGTCATAAACACACAGTTTGTCAAAATAGTGCACATAATTAGCATGCTGAATAAT[G>C]TAGGTTATTGTTAAGGAACACACAAAAGAAAATCAAAATCCAAGTGTTATATTACAAAAA-3'

ClinVar aggregate classification (germline): Pathogenic (1 of 4 stars; one submission).

Conditions:
Severe myoclonic epilepsy in infancy (DRVT). Also called: Epileptic encephalopathy, early infantile, 6 (Dravet syndrome); SEVERE MYOCLONIC EPILEPSY OF INFANCY; DEVELOPMENTAL AND EPILEPTIC ENCEPHALOPATHY 6A; Severe Myoclonic Epilepsy in Infancy (SMEI); Dravet syndrome. Identifiers: Orphanet 33069, MedGen C0751122, MONDO:0100135, OMIM 607208.

Submission:

Center for Bioinformatics, Peking University
Classification: Pathogenic for Dravet syndrome. Last evaluated: 2014-12-20. Review status: criteria provided, single submitter. Criteria: Xu et al. (Hum Mutat. 2015). Collection method: research. Allele origin: de novo. Affected: yes. Observed: 1 variant allele. Study: University Clinical Cooperation “985 Project” PKU-2014-1-1.
Comment: Dravet syndrome (DS) probands were recruited from the outpatient and inpatient child neurology units of Peking University First Hospital from 2005 till present. The study was approved by the Ethics Committee of Peking University First Hospital and the Institutional Review Board at Peking University. Participants or their parents provided written informed consent before enrollment. We collected a total of 267 mutations from 255 families with probands diagnosed with DS in China. All probands fulfilled the clinical diagnostic criteria.